The following is an entry in ClinVar:

ClinVar aggregate classification (germline): Likely benign. Review status: criteria provided, single submitter (1 of 4 stars). 2 submissions from 2 submitters: Likely benign (1). 1 of the submissions does not count toward it. Last evaluated 2023-07-01.

Conditions:
KDM5C-related disorder. Also called: KDM5C-related condition.

Allele frequency attached by ClinVar (database versions not stated): gnomAD exomes 0.00008; 1000 Genomes Project 30x 0.00021; 1000 Genomes Project 0.00026; ExAC 0.00073; gnomAD 0.00002; TOPMed 0.00002.
gnomAD v4.1: 88 of 1,088,077 alleles (0.0081%); highest among the groups gnomAD compares: South Asian, 0.16%; no homozygotes.

Submissions (2):

CeGaT Center for Human Genetics Tuebingen
Classification: Likely benign. Last evaluated: 2023-07-01. Review status: criteria provided, single submitter. Criteria: CeGaT Center For Human Genetics Tuebingen Variant Classification Criteria Version 2. Collection method: clinical testing. Allele origin: germline. Affected: yes. Observed: 1 variant allele.
Comment: KDM5C: BP4, BP7, BS2

PreventionGenetics, part of Exact Sciences
Classification: Likely benign for KDM5C-related condition. Last evaluated: 2019-04-26. Review status: no assertion criteria provided. Collection method: clinical testing. Allele origin: germline. Not counted in ClinVar's aggregate classification.
Comment: This variant is classified as likely benign based on ACMG/AMP sequence variant interpretation guidelines (Richards et al. 2015 PMID: 25741868, with internal and published modifications).

NM_004187.5(KDM5C):c.*130C>A

Gene: KDM5C (lysine demethylase 5C; minus strand). Cytogenetic location: Xp11.22.
Variant type: single nucleotide variant.
Coding change: c.*130C>A on transcript NM_004187.5 (MANE Select); 130 bases downstream of the stop codon, C replaced by A.
Molecular consequence: 3 prime UTR variant. On other transcripts: synonymous variant (1), intron variant (4).
Genome position (GRCh38, 1-based): chrX:53,192,837, G>T on the plus strand (C>A on the coding strand, the complement: KDM5C is on the minus strand). VCF-style: chrX-53192837-G-T. GRCh37 (hg19) VCF-style: chrX-53222019-G-T.
Other names: c.4047C>A, p.Ile1349= (NM_001146702.2); c.*130C>A (NM_001282622.3, NM_001353978.3); c.4305+600C>A (NM_001353982.2); c.4314+600C>A (NM_001353979.2); c.4308+600C>A (NM_001353981.2, NM_001353984.2); c.4047C>A (NM_001146702.1).
Identifiers: ClinVar variation 2579094 (VCV002579094.26), dbSNP rs782201442, ClinGen allele CA10419033.